The following is an entry in ClinVar:

ClinVar aggregate classification (germline): Uncertain significance. Review status: criteria provided, multiple submitters, no conflicts (2 of 4 stars). 2 submissions from 2 submitters: Uncertain significance (2). Last evaluated 2026-05-19.

Conditions:
RERE-related disorder. Also called: RERE-related condition; RERE-Related Disorders. Identifiers: MedGen CN381537.
Inborn genetic diseases. Identifiers: MedGen C0950123, MeSH D030342.

gnomAD v4.1: 2 of 1,614,100 alleles (0.00012%); no homozygotes.

Submissions (2):

Ambry Genetics
Classification: Uncertain significance for Inborn genetic diseases. Last evaluated: 2026-05-19. Review status: criteria provided, single submitter. Criteria: Ambry Variant Classification Scheme 2023. Collection method: clinical testing. Allele origin: germline.

PreventionGenetics, part of Exact Sciences
Classification: Uncertain significance for RERE-related condition. Last evaluated: 2025-09-23. Review status: criteria provided, single submitter. Criteria: ACMG Guidelines, 2015. Collection method: clinical testing. Allele origin: germline.
Comment: The RERE c.1592A>C variant is predicted to result in the amino acid substitution p.Asp531Ala. To our knowledge, this variant has not been reported in the literature or in a large population database (gnomAD), indicating this variant is rare. At this time, the clinical significance of this variant is uncertain due to the absence of conclusive functional and genetic evidence.

NM_001042681.2(RERE):c.1592A>C (p.Asp531Ala)

Gene: RERE (arginine-glutamic acid dipeptide repeats; minus strand). Cytogenetic location: 1p36.23.
Variant type: single nucleotide variant.
Coding change: c.1592A>C on transcript NM_001042681.2 (MANE Select); coding-DNA position 1592, A replaced by C.
Protein change: p.Asp531Ala; replaces aspartic acid 531 with alanine.
Molecular consequence: missense variant. On other transcripts: 5 prime UTR variant (1).
Genome position (GRCh38, 1-based): chr1:8,364,204, T>G on the plus strand (A>C on the coding strand, the complement: RERE is on the minus strand). VCF-style: chr1-8364204-T-G. GRCh37 (hg19) VCF-style: chr1-8424264-T-G.
Other names: c.-71A>C (NM_001042682.2); c.1592A>C, p.Asp531Ala (NM_012102.4); short protein forms D531A.
Identifiers: ClinVar variation 4863229 (VCV004863229.2).